The following is an entry in ClinVar:

ClinVar aggregate classification (germline): Pathogenic (1 of 4 stars; one submission).

Conditions:
Mosaic variegated aneuploidy syndrome 1 (MVA1). Also called: Warburton-Anyane-Yeboa syndrome. Identifiers: Orphanet 1052, MedGen C1850343, MONDO:0009759, OMIM 257300.

Submission:

Labcorp Genetics (formerly Invitae), Labcorp
Classification: Pathogenic for Mosaic variegated aneuploidy syndrome 1. Last evaluated: 2022-09-01. Review status: criteria provided, single submitter. Criteria: Invitae Variant Classification Sherloc (09022015). Collection method: clinical testing. Allele origin: germline.
Comment: For these reasons, this variant has been classified as Pathogenic. ClinVar contains an entry for this variant (Variation ID: 1074988). This variant has not been reported in the literature in individuals affected with BUB1B-related conditions. This variant is not present in population databases (gnomAD no frequency). This sequence change creates a premature translational stop signal (p.Ser232Leufs*15) in the BUB1B gene. It is expected to result in an absent or disrupted protein product. Loss-of-function variants in BUB1B are known to be pathogenic (PMID: 15475955, 21190457).

Literature cited by the submitters: PubMed 15475955; PubMed 21190457.

NM_001211.6(BUB1B):c.693_694insTT (p.Ser232fs)

Gene: BUB1B (BUB1 mitotic checkpoint serine/threonine kinase B; plus strand). Cytogenetic location: 15q15.1.
Variant type: Insertion.
Coding change: c.693_694insTT on transcript NM_001211.6 (MANE Select); coding-DNA positions 693 to 694, TT inserted.
Protein change: p.Ser232fs; shifts the reading frame from serine 232.
Molecular consequence: frameshift variant.
Genome position: GRCh38 VCF-style: chr15-40183825-G-GTT. GRCh37 (hg19) VCF-style: chr15-40476026-G-GTT.
Other names: short protein forms S232fs.
Identifiers: ClinVar variation 1074988 (VCV001074988.8), dbSNP rs2037326125, ClinGen allele CA2171660898.